The following is an entry in ClinVar:

NM_152268.4(PARS2):c.-15C>T

Gene: PARS2 (prolyl-tRNA synthetase 2, mitochondrial; minus strand). Cytogenetic location: 1p32.3.
Variant type: single nucleotide variant.
Coding change: c.-15C>T on transcript NM_152268.4 (MANE Select); 15 bases upstream of the start codon, C replaced by T.
Molecular consequence: 5 prime UTR variant.
Genome position (GRCh38, 1-based): chr1:54,759,176, G>A on the plus strand (C>T on the coding strand, the complement: PARS2 is on the minus strand). VCF-style: chr1-54759176-G-A. GRCh37 (hg19) VCF-style: chr1-55224849-G-A.
Identifiers: ClinVar variation 508208 (VCV000508208.1), dbSNP rs576987544, ClinGen allele CA869575.
Genomic context (GRCh38, chr1:54,759,176, plus strand): 5'-TGGCCAGGGCGGGCAATGCTCTGCATCTTGTCAGCAGCCCTTCCATGACACCCTGGCACC[G>A]GGAAGCACAGGCACCTGAGGAAAAATGAGTTGTGTGAGAATGAGCCTCATCCGTGTTCCA-3'

ClinVar aggregate classification (germline): Likely benign (1 of 4 stars; one submission).

Allele frequency attached by ClinVar (database versions not stated): gnomAD exomes 0.00002; TOPMed 0.00003; ExAC 0.00004; gnomAD 0.00007; 1000 Genomes Project 0.00020; 1000 Genomes Project 30x 0.00031.
gnomAD v4.1: 36 of 1,558,212 alleles (0.0023%); highest among the groups gnomAD compares: African/African-American, 0.0068%; no homozygotes.

Submission:

GeneDx
Classification: Likely benign. Last evaluated: 2017-05-15. Review status: criteria provided, single submitter. Criteria: GeneDx Variant Classification (06012015). Collection method: clinical testing. Allele origin: germline. Affected: yes.
Comment: This variant is considered likely benign or benign based on one or more of the following criteria: it is a conservative change, it occurs at a poorly conserved position in the protein, it is predicted to be benign by multiple in silico algorithms, and/or has population frequency not consistent with disease.